The following is an entry in ClinVar:

ClinVar aggregate classification (germline): Pathogenic. Review status: criteria provided, multiple submitters, no conflicts (2 of 4 stars). 7 submissions from 7 submitters: Pathogenic (5). 2 of the submissions do not count toward it. Last evaluated 2025-10-19.

Conditions:
Desmin-related myofibrillar myopathy (MFM1). Also called: Desminopathy; MYOFIBRILLAR MYOPATHY WITH ARRHYTHMOGENIC RIGHT VENTRICULAR CARDIOMYOPATHY; DESMIN-RELATED MYOPATHY WITH ARRHYTHMOGENIC RIGHT VENTRICULAR CARDIOMYOPATHY; Myofibrillar myopathy 1; Desmin related myopathy (former name); Desmin storage myopathy (former name). Identifiers: Orphanet 363543, Orphanet 98909, MedGen C1832370, MONDO:0011076, OMIM 601419.
Neurogenic scapuloperoneal syndrome, Kaeser type (SCPNK). Also called: KAESER SYNDROME. Identifiers: Orphanet 85146, MedGen C1867005, MONDO:0008407, OMIM 181400.

Submissions (7):

Labcorp Genetics (formerly Invitae), Labcorp
Classification: Pathogenic for Desmin-related myofibrillar myopathy. Last evaluated: 2025-10-19. Review status: criteria provided, single submitter. Criteria: Invitae Variant Classification Sherloc (09022015). Collection method: clinical testing. Allele origin: germline.
Comment: This sequence change replaces arginine, which is basic and polar, with proline, which is neutral and non-polar, at codon 350 of the DES protein (p.Arg350Pro). This variant is not present in population databases (gnomAD no frequency). This missense change has been observed in individual(s) with DES-related myofibrillar myopathy (PMID: 15800015, 17439987). It has also been observed to segregate with disease in related individuals. ClinVar contains an entry for this variant (Variation ID: 16835). Invitae Evidence Modeling of protein sequence and biophysical properties (such as structural, functional, and spatial information, amino acid conservation, physicochemical variation, residue mobility, and thermodynamic stability) indicates that this missense variant is expected to disrupt DES protein function with a positive predictive value of 95%. Experimental studies have shown that this missense change affects DES function (PMID: 15800015, 20448486, 25394388, 27393313). For these reasons, this variant has been classified as Pathogenic.

CeGaT Center for Human Genetics Tuebingen
Classification: Pathogenic. Last evaluated: 2025-09-01. Review status: criteria provided, single submitter. Criteria: CeGaT Center For Human Genetics Tuebingen Variant Classification Criteria Version 2. Collection method: clinical testing. Allele origin: germline. Affected: yes. Observed: 5 variant alleles.
Comment: DES: PP1:Strong, PS4, PM2, PS3:Supporting

Institute of Human Genetics, University of Leipzig Medical Center
Classification: Pathogenic for Desmin-related myofibrillar myopathy. Last evaluated: 2023-09-26. Review status: criteria provided, single submitter. Criteria: ACMG Guidelines, 2015. Collection method: clinical testing. Allele origin: unknown. Inheritance: Autosomal dominant inheritance. Affected: yes.
Comment: Criteria applied: PS3,PP1_STR,PM2_SUP,PP3

Institute of Medical Genetics and Applied Genomics, University Hospital Tübingen
Classification: Pathogenic. Last evaluated: 2020-10-23. Review status: criteria provided, single submitter. Criteria: ACMG Guidelines, 2015. Collection method: clinical testing. Allele origin: germline. Inheritance: Unknown mechanism. Affected: yes.

Eurofins Ntd Llc (ga)
Classification: Pathogenic. Last evaluated: 2017-12-05. Review status: criteria provided, single submitter. Criteria: EGL Classification Definitions 2015. Collection method: clinical testing. Allele origin: germline. Observed: 1 variant allele, 1 heterozygote.

OMIM
Classification: Pathogenic for SCAPULOPERONEAL SYNDROME, NEUROGENIC, KAESER TYPE. Last evaluated: 2007-06-01. Review status: no assertion criteria provided. Collection method: literature only. Allele origin: germline. Not counted in ClinVar's aggregate classification.

Epithelial Biology;  Institute of Medical Biology, Singapore
No classification provided. Review status: no classification provided. Collection method: not provided. Allele origin: not provided. Not counted in ClinVar's aggregate classification.

Literature cited by the submitters: PubMed 15800015 (cited by Labcorp Genetics (formerly Invitae), Labcorp and OMIM); PubMed 17439987 (cited by Labcorp Genetics (formerly Invitae), Labcorp and OMIM); PubMed 20448486 (cited by Labcorp Genetics (formerly Invitae), Labcorp); PubMed 25394388 (cited by Labcorp Genetics (formerly Invitae), Labcorp); PubMed 27393313 (cited by Labcorp Genetics (formerly Invitae), Labcorp); PubMed 14326018 (cited by OMIM); PubMed 5828910 (cited by OMIM).

NM_001927.4(DES):c.1049G>C (p.Arg350Pro)

Gene: DES (desmin; plus strand). Cytogenetic location: 2q35.
Variant type: single nucleotide variant.
Coding change: c.1049G>C on transcript NM_001927.4 (MANE Select); coding-DNA position 1049, G replaced by C.
Protein change: p.Arg350Pro; replaces arginine 350 with proline.
Molecular consequence: missense variant.
Genome position (GRCh38, 1-based): chr2:219,421,365, G>C. VCF-style: chr2-219421365-G-C. GRCh37 (hg19) VCF-style: chr2-220286087-G-C.
Other names: c.1049G>C, p.Arg350Pro (LRG_380t1); short protein forms R350P.
Identifiers: ClinVar variation 16835 (VCV000016835.56), dbSNP rs57965306, ClinGen allele CA126906.